The following is an entry in ClinVar:

ClinVar aggregate classification (germline): Likely benign (1 of 4 stars; one submission).

Conditions:
SEMA3B-related disorder. Also called: SEMA3B-related condition.

gnomAD v4.1: 5 of 1,578,400 alleles (0.00032%); highest among the groups gnomAD compares: Non-Finnish European, 0.00043%; no homozygotes.

Submission:

PreventionGenetics, part of Exact Sciences
Classification: Likely benign for SEMA3B-related condition. Last evaluated: 2026-02-25. Review status: criteria provided, single submitter. Criteria: ACMG Guidelines, 2015. Collection method: clinical testing. Allele origin: germline.
Comment: This variant is classified as likely benign based on ACMG/AMP sequence variant interpretation guidelines (Richards et al. 2015 PMID: 25741868, with internal and published modifications).

NM_001290060.2(SEMA3B):c.150G>A (p.Glu50=)

Gene: SEMA3B (semaphorin 3B; plus strand). Cytogenetic location: 3p21.31.
Variant type: single nucleotide variant.
Coding change: c.150G>A on transcript NM_001290060.2 (MANE Select); coding-DNA position 150, G replaced by A.
Protein change: p.Glu50=; no amino-acid change (glutamic acid 50 retained).
Molecular consequence: synonymous variant.
Genome position (GRCh38, 1-based): chr3:50,270,167, G>A. VCF-style: chr3-50270167-G-A. GRCh37 (hg19) VCF-style: chr3-50307598-G-A.
Other names: c.150G>A, p.Glu50= (NM_001005914.3, NM_001290061.1, NM_001435956.1 and 3 more transcripts).
Identifiers: ClinVar variation 4992357 (VCV004992357.1).